The following is an entry in ClinVar:

ClinVar aggregate classification (germline): Pathogenic (1 of 4 stars; one submission).

Conditions:
Cardiovascular phenotype. Identifiers: MedGen CN230736.
Hereditary cancer-predisposing syndrome. Also called: Neoplastic Syndromes, Hereditary; Tumor predisposition; Hereditary Cancer Syndrome; Hereditary neoplastic syndrome. Identifiers: Orphanet 140162, MedGen C0027672, MeSH D009386, MONDO:0015356.

Submission:

Ambry Genetics
Classification: Pathogenic for Cardiovascular phenotype; Hereditary cancer-predisposing syndrome. Last evaluated: 2026-03-30. Review status: criteria provided, single submitter. Criteria: Ambry Variant Classification Scheme 2023. Collection method: clinical testing. Allele origin: germline.
Comment: The c.796delG pathogenic mutation, located in coding exon 8 of the NF1 gene, results from a deletion of one nucleotide at nucleotide position 796, causing a translational frameshift with a predicted alternate stop codon (p.V266Ffs*15). This variant is considered to be rare based on population cohorts in the Genome Aggregation Database (gnomAD). This alteration is expected to result in loss of function by premature protein truncation or nonsense-mediated mRNA decay. As such, this alteration is interpreted as a disease-causing mutation.

NM_001042492.3(NF1):c.796del (p.Val266fs)

Gene: NF1 (neurofibromin 1; plus strand). Cytogenetic location: 17q11.2.
Variant type: Deletion.
Coding change: c.796del on transcript NM_001042492.3 (MANE Select); coding-DNA position 796, one base deleted (G; older notation c.796delG).
Protein change: p.Val266fs; shifts the reading frame from valine 266.
Molecular consequence: frameshift variant.
Genome position (GRCh38, 1-based): chr17:31,182,573, G deleted. VCF-style (leftmost placement, unchanged base first): chr17-31182572-AG-A. GRCh37 (hg19) VCF-style: chr17-29509590-AG-A.
Other names: c.796del, p.Val266fs (NM_000267.4, NM_001128147.3); short protein forms V266fs.
Identifiers: ClinVar variation 4860880 (VCV004860880.1).